The following is an entry in ClinVar:

ClinVar aggregate classification (germline): Likely pathogenic (1 of 4 stars; one submission).

Conditions:
Supravalvar aortic stenosis (SVAS). Also called: Supravalvar aortic stenosis, Eisenberg type. Identifiers: Orphanet 3193, MedGen C0003499, MONDO:0008504, OMIM 185500, HP:0004381.

Submission:

Labcorp Genetics (formerly Invitae), Labcorp
Classification: Likely pathogenic for Supravalvar aortic stenosis. Last evaluated: 2023-05-29. Review status: criteria provided, single submitter. Criteria: Invitae Variant Classification Sherloc (09022015). Collection method: clinical testing. Allele origin: germline.
Comment: In summary, the currently available evidence indicates that the variant is pathogenic, but additional data are needed to prove that conclusively. Therefore, this variant has been classified as Likely Pathogenic. Algorithms developed to predict the effect of sequence changes on RNA splicing suggest that this variant may disrupt the consensus splice site. This variant has not been reported in the literature in individuals affected with ELN-related conditions. This variant is not present in population databases (gnomAD no frequency). This sequence change affects an acceptor splice site in intron 31 of the ELN gene. It is expected to disrupt RNA splicing. Variants that disrupt the donor or acceptor splice site typically lead to a loss of protein function (PMID: 16199547), and loss-of-function variants in ELN are known to be pathogenic (PMID: 11175284).

Literature cited by the submitters: PubMed 16199547; PubMed 11175284.

NM_000501.4(ELN):c.2033-1G>C

Gene: ELN (elastin; plus strand). Cytogenetic location: 7q11.23.
Variant type: single nucleotide variant.
Coding change: c.2033-1G>C on transcript NM_000501.4 (MANE Select); the canonical splice acceptor site of the intron before coding-DNA position 2033, G replaced by C.
Molecular consequence: splice acceptor variant. On other transcripts: intron variant (6).
Genome position (GRCh38, 1-based): chr7:74,065,943, G>C. VCF-style: chr7-74065943-G-C. GRCh37 (hg19) VCF-style: chr7-73480273-G-C.
Other names: c.2047+211G>C (NM_001081754.3); c.1990+211G>C (NM_001081753.3); c.2219-1G>C (NM_001278939.2); c.2051-1G>C (NM_001278915.2); c.2032+211G>C (NM_001278912.2); c.1976-1G>C (NM_001081755.3); c.1888+211G>C (NM_001278916.2); c.1790-1G>C (NM_001278913.2); and 4 more.
Identifiers: ClinVar variation 2832881 (VCV002832881.3), dbSNP rs2486723583, ClinGen allele CA367891022.
Genomic context (GRCh38, chr7:74,065,943, plus strand): 5'-GGATATCAGGGCCTCTTCCCGATGGGGGTGTCTTATCCTGACCCCACCTGCCTCTTCTCA[G>C]GTGCTGCTGGCCTTGGAGGTGTCCTAGGGGGTGCCGGGCAGTTCCCACTTGGAGGTAGGG-3'